The following is an entry in ClinVar:

ClinVar aggregate classification (germline): Conflicting classifications of pathogenicity. Review status: criteria provided, conflicting classifications (1 of 4 stars). 6 submissions from 6 submitters: Uncertain significance (2); Likely benign (2). 2 of the submissions do not count toward it. Last evaluated 2024-01-22.

Conditions:
Retinitis pigmentosa 25 (RP25). Identifiers: Orphanet 791, MedGen C1864446, MONDO:0011272, OMIM 602772.
Retinal dystrophy. Also called: Inherited retinal dystrophy. Identifiers: Orphanet 71862, MedGen C0854723, MeSH D058499, MONDO:0019118, HP:0000556.

Allele frequency attached by ClinVar (database versions not stated): gnomAD exomes 0.00003 and 0.00014; gnomAD 0.00008 and 0.00009; TOPMed 0.00008.
gnomAD v4.1: 202 of 1,550,504 alleles (0.013%); highest among the groups gnomAD compares: East Asian, 0.26%; 1 homozygote.

Submissions (6):

Labcorp Genetics (formerly Invitae), Labcorp
Classification: Uncertain significance. Last evaluated: 2024-01-22. Review status: criteria provided, single submitter. Criteria: Invitae Variant Classification Sherloc (09022015). Collection method: clinical testing. Allele origin: germline.
Comment: This sequence change affects codon 753 of the EYS mRNA. It is a 'silent' change, meaning that it does not change the encoded amino acid sequence of the EYS protein. It affects a nucleotide within the consensus splice site. This variant is present in population databases (rs781359405, gnomAD 0.005%). This variant has not been reported in the literature in individuals affected with EYS-related conditions. ClinVar contains an entry for this variant (Variation ID: 844255). Algorithms developed to predict the effect of sequence changes on RNA splicing suggest that this variant is not likely to affect RNA splicing. In summary, the available evidence is currently insufficient to determine the role of this variant in disease. Therefore, it has been classified as a Variant of Uncertain Significance.

Dept Of Ophthalmology, Nagoya University
Classification: Likely benign for Retinal dystrophy. Last evaluated: 2023-10-01. Review status: criteria provided, single submitter. Criteria: Submitter's publication. Collection method: research. Allele origin: germline. Affected: yes.

Blueprint Genetics
Classification: Likely benign. Last evaluated: 2023-04-21. Review status: criteria provided, single submitter. Criteria: ACMG Guidelines, 2015. Collection method: clinical testing. Allele origin: germline.

Fulgent Genetics
Classification: Uncertain significance for Retinitis pigmentosa 25. Last evaluated: 2021-09-20. Review status: criteria provided, single submitter. Criteria: ACMG Guidelines, 2015. Collection method: clinical testing. Allele origin: unknown.

Institute of Human Genetics, Univ. Regensburg, Univ. Regensburg
Classification: Uncertain significance for Retinal dystrophy. Last evaluated: 2023-01-01. Review status: no assertion criteria provided. Criteria: ACMG Guidelines, 2015. Collection method: clinical testing. Allele origin: germline. Affected: yes. Not counted in ClinVar's aggregate classification.

Natera, Inc.
Classification: Uncertain significance for Retinitis pigmentosa type 25. Last evaluated: 2020-09-08. Review status: no assertion criteria provided. Collection method: clinical testing. Allele origin: germline. Not counted in ClinVar's aggregate classification.

NM_001142800.2(EYS):c.2259C>T (p.Leu753=)

Gene: EYS (EGF-like photoreceptor maintenance factor; minus strand). Cytogenetic location: 6q12.
Variant type: single nucleotide variant.
Coding change: c.2259C>T on transcript NM_001142800.2 (MANE Select); coding-DNA position 2259, C replaced by T.
Protein change: p.Leu753=; no amino-acid change (leucine 753 retained).
Molecular consequence: synonymous variant.
Genome position (GRCh38, 1-based): chr6:64,997,582, G>A on the plus strand (C>T on the coding strand, the complement: EYS is on the minus strand). VCF-style: chr6-64997582-G-A. GRCh37 (hg19) VCF-style: chr6-65707475-G-A.
Other names: c.2259C>T, p.Leu753= (NM_001292009.2).
Identifiers: ClinVar variation 844255 (VCV000844255.9), dbSNP rs781359405, ClinGen allele CA140390405.